The following is an entry in ClinVar:

ClinVar aggregate classification (germline): Uncertain significance (1 of 4 stars; one submission).

Submission:

Dasa
Classification: Uncertain significance. Last evaluated: 2025-03-03. Review status: criteria provided, single submitter. Criteria: DASA Assertion Criteria. Collection method: clinical testing. Allele origin: germline.
Comment: NM_001113378.2(FANCI):c.1890+4A>G is a splice-region variant. This variant is absent from population databases. Computational prediction algorithms are consistent with a benign effect. The currently available literature and clinical evidence are not sufficient to establish a definitive association between this variant and the reported condition. Therefore, this variant is classified as a variant of uncertain significance.

NM_001113378.2(FANCI):c.1890+4A>G

Gene: FANCI (FA complementation group I; plus strand). Cytogenetic location: 15q26.1.
Variant type: single nucleotide variant.
Coding change: c.1890+4A>G on transcript NM_001113378.2 (MANE Select); 4 bases into the intron after coding-DNA position 1890, A replaced by G.
Molecular consequence: intron variant.
Genome position (GRCh38, 1-based): chr15:89,290,285, A>G. VCF-style: chr15-89290285-A-G. GRCh37 (hg19) VCF-style: chr15-89833516-A-G.
Other names: c.1890+4A>G (NM_018193.3, NM_001376911.1); c.1611+4A>G (NM_001376910.1).
Identifiers: ClinVar variation 4885868 (VCV004885868.2).